The following is an entry in ClinVar:

NM_138927.4(SON):c.5880C>A (p.Pro1960=)

Gene: SON (SON DNA and RNA binding protein; plus strand). Cytogenetic location: 21q22.11.
Variant type: single nucleotide variant.
Coding change: c.5880C>A on transcript NM_138927.4 (MANE Select); coding-DNA position 5880, C replaced by A.
Protein change: p.Pro1960=; no amino-acid change (proline 1960 retained).
Molecular consequence: synonymous variant. On other transcripts: non-coding transcript variant (1), intron variant (1).
Genome position (GRCh38, 1-based): chr21:33,555,111, C>A. VCF-style: chr21-33555111-C-A. GRCh37 (hg19) VCF-style: chr21-34927417-C-A.
Other names: c.5880C>A, p.Pro1960= (NM_001291411.2, NM_032195.3); c.245-2045C>A (NM_001291412.3).
Identifiers: ClinVar variation 4872434 (VCV004872434.2).

ClinVar aggregate classification (germline): Likely benign (1 of 4 stars; one submission).

gnomAD v4.1: 2 of 1,459,902 alleles (0.00014%); highest among the groups gnomAD compares: Non-Finnish European, 0.000091%; no homozygotes.

Submission:

CeGaT Center for Human Genetics Tuebingen
Classification: Likely benign. Last evaluated: 2026-05-01. Review status: criteria provided, single submitter. Criteria: CeGaT Center For Human Genetics Tuebingen Variant Classification Criteria Version 2. Collection method: clinical testing. Allele origin: germline. Affected: yes. Observed: 1 variant allele.
Comment: SON: BP4, BP7